The following is an entry in ClinVar:

NM_015141.4(GPD1L):c.*18G>T

Gene: GPD1L (glycerol-3-phosphate dehydrogenase 1 like; plus strand). Cytogenetic location: 3p22.3.
Variant type: single nucleotide variant.
Coding change: c.*18G>T on transcript NM_015141.4 (MANE Select); 18 bases downstream of the stop codon, G replaced by T.
Molecular consequence: 3 prime UTR variant.
Genome position (GRCh38, 1-based): chr3:32,165,928, G>T. VCF-style: chr3-32165928-G-T. GRCh37 (hg19) VCF-style: chr3-32207420-G-T.
Identifiers: ClinVar variation 344730 (VCV000344730.4), dbSNP rs12629676, ClinGen allele CA2296828.
Genomic context (GRCh38, chr3:32,165,928, plus strand): 5'-AGAGATGTTGTCTTGTCTTCAGAGCCATCCAGAGCATACATAAAGTGAATCATGCAACGT[G>T]TTGGGGGAAGTTCTGCCTTTCTGATCAATCTTTTGGGTTCACGTGGAAACCAGGACTTGG-3'

ClinVar aggregate classification (germline): Benign. Review status: criteria provided, multiple submitters, no conflicts (2 of 4 stars). 3 submissions from 3 submitters: Benign (3). Last evaluated 2021-04-20.

Allele frequency attached by ClinVar (database versions not stated): ESP Exome Variant Server 0.00023; gnomAD 0.00140 and 0.00194; TOPMed 0.00186; ExAC 0.00368; gnomAD exomes 0.00391; 1000 Genomes Project 30x 0.00843; 1000 Genomes Project 0.00899.
gnomAD v4.1: 1,952 of 1,330,070 alleles (0.15%); highest among the groups gnomAD compares: East Asian, 3.9%; 53 homozygotes.

Submissions (3):

Women's Health and Genetics/Laboratory Corporation of America, LabCorp
Classification: Benign. Last evaluated: 2021-04-20. Review status: criteria provided, single submitter. Criteria: LabCorp Variant Classification Summary - May 2015. Collection method: clinical testing. Allele origin: germline.
Comment: Variant summary: GPD1L c.*18G>T is located in the untranslated mRNA region downstream of the termination codon. The variant allele was found at a frequency of 0.0039 in 251064 control chromosomes in the gnomAD database, including 27 homozygotes. The observed variant frequency is approximately 781 fold of the estimated maximal expected allele frequency for a pathogenic variant in GPD1L causing Brugada Syndrome phenotype (5e-06), strongly suggesting that the variant is benign. To our knowledge, no occurrence of c.*18G>T in individuals affected with Brugada Syndrome and no experimental evidence demonstrating its impact on protein function have been reported. No clinical diagnostic laboratories have submitted clinical-significance assessments for this variant to ClinVar after 2014. Based on the evidence outlined above, the variant was classified as benign.

GeneDx
Classification: Benign. Last evaluated: 2015-03-03. Review status: criteria provided, single submitter. Criteria: GeneDx Variant Classification Process June 2021. Collection method: clinical testing. Allele origin: germline. Affected: yes.

Breakthrough Genomics
Classification: Benign. Review status: criteria provided, single submitter. Criteria: ACMG Guidelines, 2015. Collection method: not provided. Allele origin: germline. Inheritance: Unknown mechanism. Affected: yes.